The following is an entry in ClinVar:

NM_005208.5(CRYBA1):c.215+1G>A

Gene: CRYBA1 (crystallin beta A1; plus strand). Cytogenetic location: 17q11.2.
Variant type: single nucleotide variant.
Coding change: c.215+1G>A on transcript NM_005208.5 (MANE Select); the canonical splice donor site of the intron after coding-DNA position 215, G replaced by A.
Molecular consequence: splice donor variant.
Genome position (GRCh38, 1-based): chr17:29,250,301, G>A. VCF-style: chr17-29250301-G-A. GRCh37 (hg19) VCF-style: chr17-27577319-G-A.
Other names: IVS3DS, G-A, +1.
Identifiers: ClinVar variation 521851 (VCV000521851.25), dbSNP rs1264025914, ClinGen allele CA398475896.
Genomic context (GRCh38, chr17:29,250,301, plus strand): 5'-TCCAAATGTCTCTGAGCGCAGTTTTGATAATGTCCGGTCCCTGAAGGTGGAAAGTGGCGC[G>A]TGAGTATGGACTTCCGCAGAACCGCAGCCCCTTATTTCAGGTCCCTTCAGACAGGGGACC-3'

ClinVar aggregate classification (germline): Pathogenic/Likely pathogenic. Review status: criteria provided, multiple submitters, no conflicts (2 of 4 stars). 10 submissions from 10 submitters: Pathogenic (7); Likely pathogenic (1). 2 of the submissions do not count toward it. Last evaluated 2026-06-05.

Conditions:
Cataract 10 multiple types. Also called: CATARACT 10, CONGENITAL ZONULAR, WITH SUTURAL OPACITIES. Identifiers: Orphanet 91492, MedGen C1833229, MONDO:0010948, OMIM 600881.
CRYBA1-related disorder. Also called: CRYBA1-related condition.
Inborn genetic diseases. Identifiers: MedGen C0950123, MeSH D030342.

Allele frequency attached by ClinVar (database versions not stated): gnomAD exomes below 0.00001; TOPMed below 0.00001; gnomAD 0.00001.
gnomAD v4.1: 4 of 1,573,234 alleles (0.00025%); highest among the groups gnomAD compares: Non-Finnish European, 0.00035%; no homozygotes.

Submissions (10):

Clinical Genetics Laboratory, Skane University Hospital Lund
Classification: Pathogenic for Cataract 10 multiple types. Last evaluated: 2026-06-05. Review status: criteria provided, single submitter. Criteria: ACMG Guidelines, 2015. Collection method: clinical testing. Allele origin: germline. Inheritance: Autosomal dominant inheritance. Affected: yes.
Comment: ACMG criteria: PVS1, PS4_Moderate, PP1_Strong and PP4

Labcorp Genetics (formerly Invitae), Labcorp
Classification: Pathogenic for Cataract 10 multiple types. Last evaluated: 2026-01-12. Review status: criteria provided, single submitter. Criteria: Invitae Variant Classification Sherloc (09022015). Collection method: clinical testing. Allele origin: germline.
Comment: This sequence change falls in intron 3 of the CRYBA1 gene. It does not directly change the encoded amino acid sequence of the CRYBA1 protein. It affects a nucleotide within the consensus splice site. This variant is not present in population databases (gnomAD no frequency). This variant has been observed in individual(s) with congenital cataracts (PMID: 9788845, 20142846, 22919269). It has also been observed to segregate with disease in related individuals. ClinVar contains an entry for this variant (Variation ID: 521851). Variants that disrupt the consensus splice site are a relatively common cause of aberrant splicing (PMID: 17576681, 9536098). Algorithms developed to predict the effect of sequence changes on RNA splicing suggest that this variant may disrupt the consensus splice site. For these reasons, this variant has been classified as Pathogenic.

GeneDx
Classification: Likely pathogenic. Last evaluated: 2025-10-07. Review status: criteria provided, single submitter. Criteria: GeneDx Variant Classification Process June 2021. Collection method: clinical testing. Allele origin: germline. Affected: yes.
Comment: Reported previously in several large families affected with various phenotypes including zonular cataracts with sutural opacities (CCZS), posterior polar cataracts, and polymorphic congenital cataracts (PMID: 9788845, 20142846, 22919269); In vitro functional studies show that the c.215+1G>A variant causes a splice defect in which the mutant mRNA skips both exons 3 and 4, escaping nonsense-mediated mRNA decay. Skipping these exons results in an in-frame deletion of the mRNA and synthesis of an unstable protein (PMID: 26851658); Not observed at significant frequency in large population cohorts (gnomAD); This variant is associated with the following publications: (PMID: 22919269, 28149769, 25461968, 34758253, 25525159, 18587492, 21139983, 20142846, 30078984, 24926697, 21686330, 14693780, 15016766, 33510601, 9788845, 26851658)

Institute of Human Genetics Munich, TUM University Hospital
Classification: Pathogenic for Cataract 10 multiple types. Last evaluated: 2025-04-29. Review status: criteria provided, single submitter. Criteria: Classification criteria August 2017. Collection method: clinical testing. Allele origin: germline. Inheritance: Autosomal dominant inheritance. Affected: yes. Observed: 1 variant allele.

PreventionGenetics, part of Exact Sciences
Classification: Pathogenic for CRYBA1-related condition. Last evaluated: 2024-10-28. Review status: criteria provided, single submitter. Criteria: ACMG Guidelines, 2015. Collection method: clinical testing. Allele origin: germline.
Comment: The CRYBA1 c.215+1G>A variant is predicted to disrupt the GT donor site and interfere with normal splicing. This variant has been reported in the heterozygous state in multiple patients with cataracts (Kannabiran et al 1998. PubMed ID: 9788845; Gu et al. 2010. PubMed ID: 20142846; Zhang et al. 2018. PubMed ID: 30078984). Functional studies have shown that this variant leads to skipping of both exons 3 and 4 and results in the formation of an unstable βA3/A1-crystallin protein (Ma et al. 2016. PubMed ID: 26851658). This variant has not been reported in a large population database (gnomAD), indicating this variant is rare. Variants that disrupt the consensus splice donor site in CRYBA1 are expected to be pathogenic and additional variants have been documented at the c.215+1 and +2 positions in patients with cataracts (Bateman et al. 2000. PubMed ID: 11006214; Yang et al. 2012. PubMed ID: 22665976 ). This variant is interpreted as pathogenic.

Blueprint Genetics
Classification: Pathogenic for CRYBA1-related disorders. Last evaluated: 2024-05-03. Review status: criteria provided, single submitter. Criteria: ACMG Guidelines, 2015. Collection method: clinical testing. Allele origin: de novo. Affected: yes. Observed: 1 variant allele.

Genetics and Molecular Pathology, SA Pathology
Classification: Pathogenic for Cataract 10 multiple types. Last evaluated: 2022-01-14. Review status: criteria provided, single submitter. Criteria: ACMG Guidelines, 2015. Collection method: clinical testing. Allele origin: germline. Affected: yes.

Ambry Genetics
Classification: Pathogenic for Inborn genetic diseases. Last evaluated: 2017-07-24. Review status: criteria provided, single submitter. Criteria: Ambry exome assertion method (8-5-2015). Collection method: clinical testing. Allele origin: germline. Affected: yes. Observed: 1 variant allele.

OMIM
Classification: Pathogenic for CATARACT 10, CONGENITAL ZONULAR, WITH SUTURAL OPACITIES. Last evaluated: 1998-10-23. Review status: no assertion criteria provided. Collection method: literature only. Allele origin: germline. Not counted in ClinVar's aggregate classification.

Genomics England Pilot Project, Genomics England
Classification: Pathogenic for Cataract 10 multiple types. Review status: no assertion criteria provided. Criteria: ACGS Guidelines, 2016. Collection method: clinical testing. Allele origin: germline. Affected: yes. Not counted in ClinVar's aggregate classification.

Literature cited by the submitters: PubMed 9788845 (cited by 3 submitters); PubMed 20142846 (cited by Labcorp Genetics (formerly Invitae), Labcorp); PubMed 22919269 (cited by Labcorp Genetics (formerly Invitae), Labcorp and Ambry Genetics); PubMed 17576681 (cited by Labcorp Genetics (formerly Invitae), Labcorp); PubMed 9536098 (cited by Labcorp Genetics (formerly Invitae), Labcorp); PubMed 11006214 (cited by Ambry Genetics); PubMed 26851658 (cited by Ambry Genetics); PubMed 14693780 (cited by Ambry Genetics); PubMed 21139983 (cited by Ambry Genetics); PubMed 21866213 (cited by Ambry Genetics); Kannabiran, C., Wawrousek, E., Sergeev, Y., Rao, G. N., Kaiser-Kupfer, M., Hejtmancik, J. F. Mutation of beta A3/A1 crystallin gene in autosomal dominant zonular cataract with sutural opacities results in a protein with single globular domain. (Abstract) Invest. Ophthal. Vis. Sci. 40: S786, 1999. (cited by OMIM).